The following is an entry in ClinVar:

NM_000535.7(PMS2):c.1942T>G (p.Phe648Val)

Gene: PMS2 (PMS1 homolog 2, mismatch repair system component; minus strand). Cytogenetic location: 7p22.1.
Variant type: single nucleotide variant.
Coding change: c.1942T>G on transcript NM_000535.7 (MANE Select); coding-DNA position 1942, T replaced by G.
Protein change: p.Phe648Val; replaces phenylalanine 648 with valine.
Molecular consequence: missense variant. On other transcripts: non-coding transcript variant (1).
Genome position (GRCh38, 1-based): chr7:5,986,823, A>C on the plus strand (T>G on the coding strand, the complement: PMS2 is on the minus strand). VCF-style: chr7-5986823-A-C. GRCh37 (hg19) VCF-style: chr7-6026454-A-C.
Other names: c.1537T>G, p.Phe513Val (NM_001322003.2, NM_001322004.2, NM_001322005.2 and 1 more transcripts); c.1786T>G, p.Phe596Val (NM_001322006.2); c.1624T>G, p.Phe542Val (NM_001322007.2, NM_001322008.2); c.1381T>G, p.Phe461Val (NM_001322010.2); c.1009T>G, p.Phe337Val (NM_001322011.2, NM_001322012.2); c.1369T>G, p.Phe457Val (NM_001322013.2); c.1942T>G, p.Phe648Val (NM_001322014.2); c.1633T>G, p.Phe545Val (NM_001322015.2); short protein forms F337V, F457V, F461V, F542V, F545V, F513V, F648V, F596V.
Identifiers: ClinVar variation 917788 (VCV000917788.7), dbSNP rs1782931972, ClinGen allele CA366739136.

ClinVar aggregate classification (germline): Uncertain significance. Review status: criteria provided, multiple submitters, no conflicts (2 of 4 stars). 3 submissions from 3 submitters: Uncertain significance (3). Last evaluated 2023-09-14.

Conditions:
Hereditary nonpolyposis colorectal neoplasms. Identifiers: MedGen C0009405, MeSH D003123.

Submissions (3):

Labcorp Genetics (formerly Invitae), Labcorp
Classification: Uncertain significance for Hereditary nonpolyposis colorectal neoplasms. Last evaluated: 2023-09-14. Review status: criteria provided, single submitter. Criteria: Invitae Variant Classification Sherloc (09022015). Collection method: clinical testing. Allele origin: germline.
Comment: This sequence change replaces phenylalanine, which is neutral and non-polar, with valine, which is neutral and non-polar, at codon 648 of the PMS2 protein (p.Phe648Val). This variant is not present in population databases (gnomAD no frequency). This variant has not been reported in the literature in individuals affected with PMS2-related conditions. ClinVar contains an entry for this variant (Variation ID: 917788). Advanced modeling of protein sequence and biophysical properties (such as structural, functional, and spatial information, amino acid conservation, physicochemical variation, residue mobility, and thermodynamic stability) performed at Invitae indicates that this missense variant is expected to disrupt PMS2 protein function. In summary, the available evidence is currently insufficient to determine the role of this variant in disease. Therefore, it has been classified as a Variant of Uncertain Significance.

Women's Health and Genetics/Laboratory Corporation of America, LabCorp
Classification: Uncertain significance. Last evaluated: 2020-04-17. Review status: criteria provided, single submitter. Criteria: LabCorp Variant Classification Summary - May 2015. Collection method: clinical testing. Allele origin: germline.
Comment: Variant summary: PMS2 c.1942T>G (p.Phe648Val) results in a non-conservative amino acid change in the encoded protein sequence. Three of five in-silico tools predict a damaging effect of the variant on protein function. The variant was absent in 250916 control chromosomes (gnomAD). The available data on variant occurrences in the general population are insufficient to allow any conclusion about variant significance. To our knowledge, no occurrence of c.1942T>G in individuals affected with Lynch Syndrome and no experimental evidence demonstrating its impact on protein function have been reported. No clinical diagnostic laboratories have submitted clinical-significance assessments for this variant to ClinVar after 2014. Based on the evidence outlined above, the variant was classified as uncertain significance.

GeneDx
Classification: Uncertain significance. Last evaluated: 2020-03-03. Review status: criteria provided, single submitter. Criteria: GeneDx Variant Classification Process June 2021. Collection method: clinical testing. Allele origin: germline. Affected: yes.
Comment: In silico analysis supports that this missense variant has a deleterious effect on protein structure/function; Has not been previously published as pathogenic or benign to our knowledge